The following is an entry in ClinVar:

NM_020632.3(ATP6V0A4):c.102G>C (p.Leu34Phe)

Genes: ATP6V0A4 (ATPase H+ transporting V0 subunit a4; minus strand), LOC129389889 (MPRA-validated peak6777 silencer; plus strand). Cytogenetic location: 7q34.
Variant type: single nucleotide variant.
Coding change: c.102G>C on transcript NM_020632.3 (MANE Select); coding-DNA position 102, G replaced by C.
Protein change: p.Leu34Phe; replaces leucine 34 with phenylalanine.
Molecular consequence: missense variant.
Genome position (GRCh38, 1-based): chr7:138,771,146, C>G on the plus strand (G>C on the coding strand, the complement: ATP6V0A4 is on the minus strand). VCF-style: chr7-138771146-C-G. GRCh37 (hg19) VCF-style: chr7-138455891-C-G.
Other names: c.102G>C, p.Leu34Phe (NM_130840.3, NM_130841.3); short protein forms L34F.
Identifiers: ClinVar variation 1443689 (VCV001443689.6), dbSNP rs1173300423, ClinGen allele CA369379557.

ClinVar aggregate classification (germline): Uncertain significance. Review status: criteria provided, multiple submitters, no conflicts (2 of 4 stars). 2 submissions from 2 submitters: Uncertain significance (2). Last evaluated 2024-03-05.

Conditions:
Renal tubular acidosis, distal, 3, with or without sensorineural hearing loss (DRTA3). Identifiers: MedGen C5399980, MONDO:0011268, OMIM 602722.

Allele frequency attached by ClinVar (database versions not stated): gnomAD 0.00001; gnomAD exomes 0.00001; TOPMed 0.00002.
gnomAD v4.1: 8 of 1,613,996 alleles (0.0005%); highest among the groups gnomAD compares: Non-Finnish European, 0.00068%; no homozygotes.

Submissions (2):

Fulgent Genetics
Classification: Uncertain significance for Renal tubular acidosis, distal, 3, with or without sensorineural hearing loss. Last evaluated: 2024-03-05. Review status: criteria provided, single submitter. Criteria: ACMG Guidelines, 2015. Collection method: clinical testing. Allele origin: germline.

Labcorp Genetics (formerly Invitae), Labcorp
Classification: Uncertain significance. Last evaluated: 2021-08-31. Review status: criteria provided, single submitter. Criteria: Invitae Variant Classification Sherloc (09022015). Collection method: clinical testing. Allele origin: germline.
Comment: This sequence change replaces leucine with phenylalanine at codon 34 of the ATP6V0A4 protein (p.Leu34Phe). The leucine residue is moderately conserved and there is a small physicochemical difference between leucine and phenylalanine. This variant is not present in population databases (ExAC no frequency). This variant has not been reported in the literature in individuals affected with ATP6V0A4-related conditions. Algorithms developed to predict the effect of missense changes on protein structure and function are either unavailable or do not agree on the potential impact of this missense change (SIFT: "Tolerated"; PolyPhen-2: "Probably Damaging"; Align-GVGD: "Class C0"). In summary, the available evidence is currently insufficient to determine the role of this variant in disease. Therefore, it has been classified as a Variant of Uncertain Significance.